The following is an entry in ClinVar:

NM_173728.4(ARHGEF15):c.2345C>T (p.Ala782Val)

Gene: ARHGEF15 (Rho guanine nucleotide exchange factor 15; plus strand). Cytogenetic location: 17p13.1.
Variant type: single nucleotide variant.
Coding change: c.2345C>T on transcript NM_173728.4 (MANE Select); coding-DNA position 2345, C replaced by T.
Protein change: p.Ala782Val; replaces alanine 782 with valine.
Molecular consequence: missense variant.
Genome position (GRCh38, 1-based): chr17:8,319,574, C>T. VCF-style: chr17-8319574-C-T. GRCh37 (hg19) VCF-style: chr17-8222892-C-T.
Other names: c.2345C>T, p.Ala782Val (NM_025014.2); short protein forms A782V.
Identifiers: ClinVar variation 658028 (VCV000658028.9), dbSNP rs1343847865, ClinGen allele CA398025818.
Genomic context (GRCh38, chr17:8,319,574, plus strand): 5'-TGTGTTCAGAGTCGTCTGCACCTGCCAAGACTGAAGGACGGAGTCTGGAGTCCAGGGCTG[C>T]CCCCAAACACCTGCACAAGACCCCTGAAGGTGAGAAAGTCTTTCATTTATTTATTTTGTA-3'
Protein context (NP_776089.2, residues 772-792): TEGRSLESRA[Ala782Val]PKHLHKTPEG

ClinVar aggregate classification (germline): Uncertain significance (1 of 4 stars; one submission).

Conditions:
Early-infantile DEE. Also called: Early infantile epileptic encephalopathy with suppression bursts; Ohtahara syndrome; Early infantile epileptic encephalopathy. Identifiers: Orphanet 1934, MedGen C0393706, MONDO:0800491.

Allele frequency attached by ClinVar (database versions not stated): gnomAD exomes 0.00001.

Submission:

Labcorp Genetics (formerly Invitae), Labcorp
Classification: Uncertain significance for Early-infantile DEE. Last evaluated: 2024-02-17. Review status: criteria provided, single submitter. Criteria: Invitae Variant Classification Sherloc (09022015). Collection method: clinical testing. Allele origin: germline.
Comment: This sequence change replaces alanine, which is neutral and non-polar, with valine, which is neutral and non-polar, at codon 782 of the ARHGEF15 protein (p.Ala782Val). The frequency data for this variant in the population databases is considered unreliable, as metrics indicate poor data quality at this position in the gnomAD database. This variant has not been reported in the literature in individuals affected with ARHGEF15-related conditions. ClinVar contains an entry for this variant (Variation ID: 658028). An algorithm developed to predict the effect of missense changes on protein structure and function (PolyPhen-2) suggests that this variant is likely to be tolerated. In summary, the available evidence is currently insufficient to determine the role of this variant in disease. Therefore, it has been classified as a Variant of Uncertain Significance.